The following is an entry in ClinVar:

ClinVar aggregate classification (germline): Pathogenic (1 of 4 stars; one submission).

Submission:

Labcorp Genetics (formerly Invitae), Labcorp
Classification: Pathogenic. Last evaluated: 2023-09-25. Review status: criteria provided, single submitter. Criteria: Invitae Variant Classification Sherloc (09022015). Collection method: clinical testing. Allele origin: germline.
Comment: This sequence change creates a premature translational stop signal (p.Glu233Lysfs*37) in the TMC1 gene. It is expected to result in an absent or disrupted protein product. Loss-of-function variants in TMC1 are known to be pathogenic (PMID: 11850618, 22105175). This variant is not present in population databases (gnomAD no frequency). This variant has not been reported in the literature in individuals affected with TMC1-related conditions. For these reasons, this variant has been classified as Pathogenic.

Literature cited by the submitters: PubMed 11850618; PubMed 22105175.

NM_138691.3(TMC1):c.696del (p.Glu233fs)

Gene: TMC1 (transmembrane channel like 1; plus strand). Cytogenetic location: 9q21.13.
Variant type: Deletion.
Coding change: c.696del on transcript NM_138691.3 (MANE Select); coding-DNA position 696, one base deleted (C; older notation c.696delC).
Protein change: p.Glu233fs; shifts the reading frame from glutamic acid 233.
Molecular consequence: frameshift variant.
Genome position (GRCh38, 1-based): chr9:72,754,839, C deleted; the last of 2 consecutive C bases (chr9:72,754,838-72,754,839); deleting either gives the same sequence. VCF-style (leftmost placement, unchanged base first): chr9-72754837-GC-G. GRCh37 (hg19) VCF-style: chr9-75369753-GC-G.
Other names: short protein forms E233fs.
Identifiers: ClinVar variation 2763296 (VCV002763296.3), dbSNP rs1827646107, ClinGen allele CA1125395334.